The following is an entry in ClinVar:

NM_004655.4(AXIN2):c.1032del (p.Asn344fs)

Gene: AXIN2 (axin 2; minus strand). Cytogenetic location: 17q24.1.
Variant type: Deletion.
Coding change: c.1032del on transcript NM_004655.4 (MANE Select); coding-DNA position 1032, one base deleted (T; older notation c.1032delT).
Protein change: p.Asn344fs; shifts the reading frame from asparagine 344.
Molecular consequence: frameshift variant.
Genome position (GRCh38, 1-based): chr17:65,541,482, A deleted on the plus strand (T on the coding strand, the reverse complement: AXIN2 is on the minus strand). VCF-style (leftmost placement, unchanged base first): chr17-65541481-CA-C. GRCh37 (hg19) VCF-style: chr17-63537599-CA-C.
Other names: c.1032del, p.Asn344fs (NM_001363813.1); short protein forms N344fs.
Identifiers: ClinVar variation 3470716 (VCV003470716.2).

ClinVar aggregate classification (germline): Pathogenic. Review status: criteria provided, multiple submitters, no conflicts (2 of 4 stars). 2 submissions from 2 submitters: Pathogenic (2). Last evaluated 2025-07-09.

Conditions:
Oligodontia-cancer predisposition syndrome. Also called: TOOTH AGENESIS-COLORECTAL CANCER SYNDROME. Identifiers: Orphanet 300576, MedGen C1837750, MONDO:0012075, OMIM 608615. Disease mechanism: loss of function.
Hereditary cancer-predisposing syndrome. Also called: Tumor predisposition; Neoplastic Syndromes, Hereditary; Hereditary neoplastic syndrome; Hereditary Cancer Syndrome. Identifiers: Orphanet 140162, MedGen C0027672, MeSH D009386, MONDO:0015356.

Submissions (2):

Myriad Genetics, Inc.
Classification: Pathogenic for Oligodontia-cancer predisposition syndrome. Last evaluated: 2025-07-09. Review status: criteria provided, single submitter. Criteria: Myriad Autosomal Dominant, Autosomal Recessive and X-Linked Classification Criteria (2023). Collection method: clinical testing. Allele origin: unknown.
Comment: This variant is considered pathogenic. This variant creates a frameshift predicted to result in premature protein truncation.

Ambry Genetics
Classification: Pathogenic for Hereditary cancer-predisposing syndrome. Last evaluated: 2024-11-15. Review status: criteria provided, single submitter. Criteria: Ambry Variant Classification Scheme 2023. Collection method: clinical testing. Allele origin: germline.
Comment: The c.1032delT pathogenic mutation, located in coding exon 3 of the AXIN2 gene, results from a deletion of one nucleotide at nucleotide position 1032, causing a translational frameshift with a predicted alternate stop codon (p.N344Kfs*19). This variant is considered to be rare based on population cohorts in the Genome Aggregation Database (gnomAD). This alteration is expected to result in loss of function by premature protein truncation or nonsense-mediated mRNA decay. As such, this alteration is interpreted as a disease-causing mutation.